The following is an entry in ClinVar:

NM_007259.5(VPS45):c.187A>G (p.Met63Val)

Gene: VPS45 (vacuolar protein sorting 45 homolog; plus strand). Cytogenetic location: 1q21.2.
Variant type: single nucleotide variant.
Coding change: c.187A>G on transcript NM_007259.5 (MANE Select); coding-DNA position 187, A replaced by G.
Protein change: p.Met63Val; replaces methionine 63 with valine.
Molecular consequence: missense variant. On other transcripts: non-coding transcript variant (1).
Genome position (GRCh38, 1-based): chr1:150,068,723, A>G. VCF-style: chr1-150068723-A-G. GRCh37 (hg19) VCF-style: chr1-150040780-A-G.
Other names: c.79A>G, p.Met27Val (NM_001279353.2, NM_001279354.2); c.187A>G (NM_007259.3); short protein forms M63V, M27V.
Identifiers: ClinVar variation 1352996 (VCV001352996.6), dbSNP rs1553796360, ClinGen allele CA342258816.

ClinVar aggregate classification (germline): Uncertain significance. Review status: criteria provided, multiple submitters, no conflicts (2 of 4 stars). 2 submissions from 2 submitters: Uncertain significance (2). Last evaluated 2025-04-07.

Conditions:
Inborn genetic diseases. Identifiers: MedGen C0950123, MeSH D030342.
Congenital neutropenia-myelofibrosis-nephromegaly syndrome. Also called: Severe congenital neutropenia 5, autosomal recessive. Identifiers: Orphanet 369852, MedGen C3809031, MONDO:0014118, OMIM 615285.

Allele frequency attached by ClinVar (database versions not stated): gnomAD exomes below 0.00001 and 0.00001.

Submissions (2):

Ambry Genetics
Classification: Uncertain significance for Inborn genetic diseases. Last evaluated: 2025-04-07. Review status: criteria provided, single submitter. Criteria: Ambry Variant Classification Scheme 2023. Collection method: clinical testing. Allele origin: germline.

Labcorp Genetics (formerly Invitae), Labcorp
Classification: Uncertain significance for Congenital neutropenia-myelofibrosis-nephromegaly syndrome. Last evaluated: 2021-09-17. Review status: criteria provided, single submitter. Criteria: Invitae Variant Classification Sherloc (09022015). Collection method: clinical testing. Allele origin: germline.
Comment: This sequence change replaces methionine with valine at codon 63 of the VPS45 protein (p.Met63Val). The methionine residue is moderately conserved and there is a small physicochemical difference between methionine and valine. This variant is not present in population databases (ExAC no frequency). This variant has not been reported in the literature in individuals with VPS45-related conditions. Algorithms developed to predict the effect of missense changes on protein structure and function are either unavailable or do not agree on the potential impact of this missense change (SIFT: "Tolerated"; PolyPhen-2: "Possibly Damaging"; Align-GVGD: "Class C0"). In summary, the available evidence is currently insufficient to determine the role of this variant in disease. Therefore, it has been classified as a Variant of Uncertain Significance.